The following is an entry in ClinVar:

NM_007294.4(BRCA1):c.4672del (p.Asp1557_Leu1558insTer)

Gene: BRCA1 (BRCA1 DNA repair associated; minus strand). Cytogenetic location: 17q21.31.
Variant type: Deletion.
Coding change: c.4672del on transcript NM_007294.4 (MANE Select); coding-DNA position 4672, one base deleted (C; older notation c.4672delC).
Protein change: p.Asp1557_Leu1558insTer.
Molecular consequence: nonsense. On other transcripts: frameshift variant (362), non-coding transcript variant (1).
Genome position (GRCh38, 1-based): chr17:43,074,334, G deleted on the plus strand (C on the coding strand, the reverse complement: BRCA1 is on the minus strand). VCF-style (leftmost placement, unchanged base first): chr17-43074333-AG-A. GRCh37 (hg19) VCF-style: chr17-41226350-AG-A.
Other names: c.4336delC, p.Leu1446Terfs (NM_001407953.1, NM_001407954.1, NM_001407955.1 and 3 more transcripts); c.4333delC, p.Leu1445Terfs (NM_001407956.1, NM_001407957.1, NM_001407958.1); c.4291delC, p.Leu1431Terfs (NM_001407959.1); c.4288delC, p.Leu1430Terfs (NM_001407960.1, NM_001407962.1); c.4285delC, p.Leu1429Terfs (NM_001407963.1); c.4165delC, p.Leu1389Terfs (NM_001407965.1); c.3784delC, p.Leu1262Terfs (NM_001407966.1); c.3781delC, p.Leu1261Terfs (NM_001407967.1); and 71 more.
Identifiers: ClinVar variation 646336 (VCV000646336.9), dbSNP rs1597835688, ClinGen allele CA915950119.

ClinVar aggregate classification (germline): Pathogenic. Review status: criteria provided, multiple submitters, no conflicts (2 of 4 stars). 2 submissions from 2 submitters: Pathogenic (2). Last evaluated 2023-03-13.

Conditions:
Hereditary cancer-predisposing syndrome. Also called: Tumor predisposition; Hereditary neoplastic syndrome; Neoplastic Syndromes, Hereditary; Hereditary Cancer Syndrome. Identifiers: Orphanet 140162, MedGen C0027672, MeSH D009386, MONDO:0015356.
Hereditary breast ovarian cancer syndrome. Also called: Hereditary breast and ovarian cancer; Hereditary breast and/or ovarian cancer syndrome; Hereditary breast and ovarian cancer syndrome; BRCA1- and BRCA2-Associated Hereditary Breast and Ovarian Cancer; Hereditary breast and ovarian cancer syndrome (HBOC); Breast and ovarian cancer. Identifiers: Orphanet 145, MedGen C0677776, MeSH D061325, MONDO:0003582. Disease mechanism: loss of function.

Submissions (2):

Ambry Genetics
Classification: Pathogenic for Hereditary cancer-predisposing syndrome. Last evaluated: 2023-03-13. Review status: criteria provided, single submitter. Criteria: Ambry Variant Classification Scheme 2023. Collection method: clinical testing. Allele origin: germline.
Comment: The c.4672delC pathogenic mutation, located in coding exon 13 of the BRCA1 gene, results from a deletion of one nucleotide at nucleotide position 4672, causing a translational frameshift with a predicted alternate stop codon (p.L1558*). This alteration is expected to result in loss of function by premature protein truncation or nonsense-mediated mRNA decay. This variant is considered to be rare based on population cohorts in the Genome Aggregation Database (gnomAD). As such, this alteration is interpreted as a disease-causing mutation.

Labcorp Genetics (formerly Invitae), Labcorp
Classification: Pathogenic for Hereditary breast ovarian cancer syndrome. Last evaluated: 2018-12-28. Review status: criteria provided, single submitter. Criteria: Invitae Variant Classification Sherloc (09022015). Collection method: clinical testing. Allele origin: germline.
Comment: This variant has not been reported in the literature in individuals with BRCA1-related conditions. This sequence change creates a premature translational stop signal (p.Leu1558*) in the BRCA1 gene. It is expected to result in an absent or disrupted protein product. This variant is not present in population databases (ExAC no frequency). Loss-of-function variants in BRCA1 are known to be pathogenic (PMID: 20104584). For these reasons, this variant has been classified as Pathogenic.

Literature cited by the submitters: PubMed 20104584 (cited by Labcorp Genetics (formerly Invitae), Labcorp).